The following is an entry in ClinVar:

ClinVar aggregate classification (germline): Uncertain significance (1 of 4 stars; one submission).

gnomAD v4.1: 1 of 1,529,276 alleles (0.000065%); highest among the groups gnomAD compares: African/African-American, 0.0014%; no homozygotes.

Submission:

Labcorp Genetics (formerly Invitae), Labcorp
Classification: Uncertain significance. Last evaluated: 2024-12-02. Review status: criteria provided, single submitter. Criteria: Invitae Variant Classification Sherloc (09022015). Collection method: clinical testing. Allele origin: germline.
Comment: This sequence change replaces proline, which is neutral and non-polar, with arginine, which is basic and polar, at codon 32 of the CST3 protein (p.Pro32Arg). This variant is not present in population databases (gnomAD no frequency). This variant has not been reported in the literature in individuals affected with CST3-related conditions. An algorithm developed to predict the effect of missense changes on protein structure and function outputs the following: PolyPhen-2: "Not Available". The arginine amino acid residue is found in multiple mammalian species, which suggests that this missense change does not adversely affect protein function. In summary, the available evidence is currently insufficient to determine the role of this variant in disease. Therefore, it has been classified as a Variant of Uncertain Significance.

NM_000099.4(CST3):c.95C>G (p.Pro32Arg)

Gene: CST3 (cystatin C; minus strand). Cytogenetic location: 20p11.21.
Variant type: single nucleotide variant.
Coding change: c.95C>G on transcript NM_000099.4 (MANE Select); coding-DNA position 95, C replaced by G.
Protein change: p.Pro32Arg; replaces proline 32 with arginine.
Molecular consequence: missense variant.
Genome position (GRCh38, 1-based): chr20:23,637,768, G>C on the plus strand (C>G on the coding strand, the complement: CST3 is on the minus strand). VCF-style: chr20-23637768-G-C. GRCh37 (hg19) VCF-style: chr20-23618405-G-C.
Other names: c.95C>G, p.Pro32Arg (NM_001288614.2); short protein forms P32R.
Identifiers: ClinVar variation 3675213 (VCV003675213.2).